The following is an entry in ClinVar:

NM_138387.4(G6PC3):c.166G>A (p.Ala56Thr)

Genes: G6PC3 (glucose-6-phosphatase catalytic subunit 3; plus strand), LOC130060959 (ATAC-STARR-seq lymphoblastoid active region 12250; plus strand). Cytogenetic location: 17q21.31.
Variant type: single nucleotide variant.
Coding change: c.166G>A on transcript NM_138387.4 (MANE Select); coding-DNA position 166, G replaced by A.
Protein change: p.Ala56Thr; replaces alanine 56 with threonine.
Molecular consequence: missense variant. On other transcripts: 5 prime UTR variant (3), intron variant (1).
Genome position (GRCh38, 1-based): chr17:44,071,131, G>A. VCF-style: chr17-44071131-G-A. GRCh37 (hg19) VCF-style: chr17-42148499-G-A.
Other names: c.166G>A, p.Ala56Thr (NM_001319945.2); c.-239G>A (NM_001384165.1); c.-374G>A (NM_001384166.1); c.-364G>A (NM_001384167.1); c.-312+417G>A (NM_001384168.1); short protein forms A56T.
Identifiers: ClinVar variation 1043833 (VCV001043833.6), dbSNP rs140585667, ClinGen allele CA8595892.
Genomic context (GRCh38, chr17:44,071,131, plus strand): 5'-AAGATCCTCTTTCTGTTCTACTTCCCCGCGGCCTACTACGCCTCCCGCCGTGTGGGCATC[G>A]CGGTGCTCTGGATCAGCCTCATCACCGAGTGGCTCAACCTCATCTTCAAGTGGTGAGACA-3'
Protein context (NP_612396.1, residues 46-66): AYYASRRVGI[Ala56Thr]VLWISLITEW

ClinVar aggregate classification (germline): Uncertain significance (1 of 4 stars; one submission).

Conditions:
Autosomal recessive severe congenital neutropenia due to G6PC3 deficiency. Also called: G6PC3 Deficiency; NEUTROPENIA, SEVERE CONGENITAL, 4, AUTOSOMAL RECESSIVE. Identifiers: Orphanet 331176, MedGen C2751630, MONDO:0012930, OMIM 612541.

Allele frequency attached by ClinVar (database versions not stated): gnomAD 0.00006; gnomAD exomes 0.00003 and 0.00001; ESP Exome Variant Server 0.00031; ExAC 0.00003; TOPMed 0.00006.
gnomAD v4.1: 17 of 1,613,874 alleles (0.0011%); highest among the groups gnomAD compares: African/African-American, 0.023%; no homozygotes.

Submission:

Labcorp Genetics (formerly Invitae), Labcorp
Classification: Uncertain significance for Autosomal recessive severe congenital neutropenia due to G6PC3 deficiency. Last evaluated: 2021-09-01. Review status: criteria provided, single submitter. Criteria: Invitae Variant Classification Sherloc (09022015). Collection method: clinical testing. Allele origin: germline.
Comment: This sequence change replaces alanine with threonine at codon 56 of the G6PC3 protein (p.Ala56Thr). The alanine residue is moderately conserved and there is a small physicochemical difference between alanine and threonine. This variant is present in population databases (rs140585667, ExAC 0.04%). This variant has not been reported in the literature in individuals affected with G6PC3-related conditions. Algorithms developed to predict the effect of missense changes on protein structure and function (SIFT, PolyPhen-2, Align-GVGD) all suggest that this variant is likely to be tolerated. In summary, the available evidence is currently insufficient to determine the role of this variant in disease. Therefore, it has been classified as a Variant of Uncertain Significance.